The following is an entry in ClinVar:

ClinVar aggregate classification (germline): Uncertain significance (1 of 4 stars; one submission).

Conditions:
RYR1-related disorder. Also called: RYR1-related condition; RYR1-related disorders. Identifiers: MedGen CN239331.

gnomAD v4.1: 6 of 1,613,464 alleles (0.00037%); highest among the groups gnomAD compares: Non-Finnish European, 0.00051%; no homozygotes.

Submission:

Labcorp Genetics (formerly Invitae), Labcorp
Classification: Uncertain significance for RYR1-related disorder. Last evaluated: 2021-10-21. Review status: criteria provided, single submitter. Criteria: Invitae Variant Classification Sherloc (09022015). Collection method: clinical testing. Allele origin: germline.
Comment: This sequence change replaces aspartic acid with asparagine at codon 4773 of the RYR1 protein (p.Asp4773Asn). The aspartic acid residue is highly conserved and there is a small physicochemical difference between aspartic acid and asparagine. This variant is present in population databases (rs754844157, ExAC 0.003%). This variant has not been reported in the literature in individuals affected with RYR1-related conditions. Advanced modeling of protein sequence and biophysical properties (such as structural, functional, and spatial information, amino acid conservation, physicochemical variation, residue mobility, and thermodynamic stability) performed at Invitae indicates that this missense variant is expected to disrupt RYR1 protein function. In summary, the available evidence is currently insufficient to determine the role of this variant in disease. Therefore, it has been classified as a Variant of Uncertain Significance.

NM_000540.3(RYR1):c.14317G>A (p.Asp4773Asn)

Gene: RYR1 (ryanodine receptor 1; plus strand). Cytogenetic location: 19q13.2.
Variant type: single nucleotide variant.
Coding change: c.14317G>A on transcript NM_000540.3 (MANE Select); coding-DNA position 14317, G replaced by A.
Protein change: p.Asp4773Asn; replaces aspartic acid 4773 with asparagine.
Molecular consequence: missense variant.
Genome position (GRCh38, 1-based): chr19:38,578,157, G>A. VCF-style: chr19-38578157-G-A. GRCh37 (hg19) VCF-style: chr19-39068797-G-A.
Other names: c.14302G>A, p.Asp4768Asn (NM_001042723.2); short protein forms D4773N, D4768N.
Identifiers: ClinVar variation 1418757 (VCV001418757.6), dbSNP rs754844157, ClinGen allele CA061110.